The following is an entry in ClinVar:

NM_015346.4(ZFYVE26):c.467T>C (p.Val156Ala)

Gene: ZFYVE26 (zinc finger FYVE-type containing 26; minus strand). Cytogenetic location: 14q24.1.
Variant type: single nucleotide variant.
Coding change: c.467T>C on transcript NM_015346.4 (MANE Select); coding-DNA position 467, T replaced by C.
Protein change: p.Val156Ala; replaces valine 156 with alanine.
Molecular consequence: missense variant.
Genome position (GRCh38, 1-based): chr14:67,807,817, A>G on the plus strand (T>C on the coding strand, the complement: ZFYVE26 is on the minus strand). VCF-style: chr14-67807817-A-G. GRCh37 (hg19) VCF-style: chr14-68274534-A-G.
Other names: c.467T>C (NM_015346.3); short protein forms V156A.
Identifiers: ClinVar variation 1394047 (VCV001394047.5), dbSNP rs750974953, ClinGen allele CA7240778.

ClinVar aggregate classification (germline): Uncertain significance. Review status: criteria provided, multiple submitters, no conflicts (2 of 4 stars). 2 submissions from 2 submitters: Uncertain significance (2). Last evaluated 2024-10-31.

Conditions:
Spastic paraplegia. Identifiers: MedGen C0037772, HP:0001258.

Allele frequency attached by ClinVar (database versions not stated): ExAC 0.00001; gnomAD 0.00001; gnomAD exomes 0.00001; TOPMed 0.00003.
gnomAD v4.1: 21 of 1,613,928 alleles (0.0013%); highest among the groups gnomAD compares: East Asian, 0.0022%; no homozygotes.

Submissions (2):

GeneDx
Classification: Uncertain significance. Last evaluated: 2024-10-31. Review status: criteria provided, single submitter. Criteria: GeneDx Variant Classification Process June 2021. Collection method: clinical testing. Allele origin: germline. Affected: yes.
Comment: Not observed at significant frequency in large population cohorts (gnomAD); In silico analysis supports that this missense variant does not alter protein structure/function; Has not been previously published as pathogenic or benign to our knowledge

Labcorp Genetics (formerly Invitae), Labcorp
Classification: Uncertain significance for Spastic paraplegia. Last evaluated: 2024-03-12. Review status: criteria provided, single submitter. Criteria: Invitae Variant Classification Sherloc (09022015). Collection method: clinical testing. Allele origin: germline.
Comment: This sequence change replaces valine, which is neutral and non-polar, with alanine, which is neutral and non-polar, at codon 156 of the ZFYVE26 protein (p.Val156Ala). This variant is present in population databases (rs750974953, gnomAD 0.003%). This variant has not been reported in the literature in individuals affected with ZFYVE26-related conditions. ClinVar contains an entry for this variant (Variation ID: 1394047). Algorithms developed to predict the effect of missense changes on protein structure and function output the following: SIFT: "Not Available"; PolyPhen-2: "Benign"; Align-GVGD: "Not Available". The alanine amino acid residue is found in multiple mammalian species, which suggests that this missense change does not adversely affect protein function. In summary, the available evidence is currently insufficient to determine the role of this variant in disease. Therefore, it has been classified as a Variant of Uncertain Significance.